The following is an entry in ClinVar:

ClinVar aggregate classification (germline): Likely pathogenic (1 of 4 stars; one submission).

Conditions:
Deficiency of galactokinase. Also called: Galactokinase deficiency with cataracts; GALACTOSEMIA II. Identifiers: Orphanet 352, Orphanet 79237, MedGen C0268155, MONDO:0009255, OMIM 230200.

Submission:

Laboratorio de Genetica e Diagnostico Molecular, Hospital Israelita Albert Einstein
Classification: Likely pathogenic for Deficiency of galactokinase. Last evaluated: 2021-08-13. Review status: criteria provided, single submitter. Criteria: ACMG Guidelines, 2015. Collection method: clinical testing. Allele origin: germline. Affected: yes.
Comment: ACMG classification criteria: PVS1 very strong, PM2 moderate

NM_000154.2(GALK1):c.166-5_227dup

Gene: GALK1 (galactokinase 1; minus strand). Cytogenetic location: 17q25.1.
Variant type: Duplication.
Coding change: c.166-5_227dup on transcript NM_000154.2 (MANE Select); 5 bases into the intron before coding-DNA position 166 through coding-DNA position 227, 67 bases duplicated.
Molecular consequence: splice acceptor variant.
Genome position (GRCh38, 1-based): chr17:75,764,025-75,764,091, 67 bases duplicated. GRCh37 (hg19): chr17:73,760,116-73,760,182.
Other names: c.166-5_227dup (NM_001381985.1).
Identifiers: ClinVar variation 1683764 (VCV001683764.4), dbSNP rs2143605351, ClinGen allele CA2573154908.